The following is an entry in ClinVar:

NM_002471.4(MYH6):c.2701A>G (p.Asn901Asp)

Gene: MYH6 (myosin heavy chain 6; minus strand). Cytogenetic location: 14q11.2.
Variant type: single nucleotide variant.
Coding change: c.2701A>G on transcript NM_002471.4 (MANE Select); coding-DNA position 2701, A replaced by G.
Protein change: p.Asn901Asp; replaces asparagine 901 with aspartic acid.
Molecular consequence: missense variant.
Genome position (GRCh38, 1-based): chr14:23,393,893, T>C on the plus strand (A>G on the coding strand, the complement: MYH6 is on the minus strand). VCF-style: chr14-23393893-T-C. GRCh37 (hg19) VCF-style: chr14-23863102-T-C.
Other names: short protein forms N901D.
Identifiers: ClinVar variation 1794937 (VCV001794937.4), dbSNP rs2502170956, ClinGen allele CA389013391.
Genomic context (GRCh38, chr14:23,393,893, plus strand): 5'-CTTTGGCCTCCAGCTGAATCTTGTTTTTGATCAGCTGGTCGCAGCGCTCCTCAGCATCAT[T>C]GAGGTTGTCTTGTTCCTGGGAGAAGAGAACAGGGAGGAAGCTGATGGTTAAAGAGAGGAG-3'
Protein context (NP_002462.2, residues 891-911): LQVQAEQDNL[Asn901Asp]DAEERCDQLI

ClinVar aggregate classification (germline): Uncertain significance. Review status: criteria provided, multiple submitters, no conflicts (2 of 4 stars). 2 submissions from 2 submitters: Uncertain significance (2). Last evaluated 2024-07-10.

Conditions:
Hypertrophic cardiomyopathy 14. Identifiers: MedGen C2750467, MONDO:0013197, OMIM 613251.
Cardiovascular phenotype. Identifiers: MedGen CN230736.

Allele frequency attached by ClinVar (database versions not stated): gnomAD exomes below 0.00001.
gnomAD v4.1: 1 of 1,613,954 alleles (0.000062%); highest among the groups gnomAD compares: Non-Finnish European, 0.000085%; no homozygotes.

Submissions (2):

Labcorp Genetics (formerly Invitae), Labcorp
Classification: Uncertain significance for Hypertrophic cardiomyopathy 14. Last evaluated: 2024-07-10. Review status: criteria provided, single submitter. Criteria: Invitae Variant Classification Sherloc (09022015). Collection method: clinical testing. Allele origin: germline.
Comment: This sequence change replaces asparagine, which is neutral and polar, with aspartic acid, which is acidic and polar, at codon 901 of the MYH6 protein (p.Asn901Asp). This variant is not present in population databases (gnomAD no frequency). This variant has not been reported in the literature in individuals affected with MYH6-related conditions. ClinVar contains an entry for this variant (Variation ID: 1794937). Advanced modeling of protein sequence and biophysical properties (such as structural, functional, and spatial information, amino acid conservation, physicochemical variation, residue mobility, and thermodynamic stability) performed at Invitae indicates that this missense variant is expected to disrupt MYH6 protein function with a positive predictive value of 80%. In summary, the available evidence is currently insufficient to determine the role of this variant in disease. Therefore, it has been classified as a Variant of Uncertain Significance.

Ambry Genetics
Classification: Uncertain significance for Cardiovascular phenotype. Last evaluated: 2021-03-22. Review status: criteria provided, single submitter. Criteria: Ambry Variant Classification Scheme 2023. Collection method: clinical testing. Allele origin: germline.
Comment: The p.N901D variant (also known as c.2701A>G), located in coding exon 20 of the MYH6 gene, results from an A to G substitution at nucleotide position 2701. The asparagine at codon 901 is replaced by aspartic acid, an amino acid with highly similar properties. This amino acid position is not well conserved in available vertebrate species. In addition, this alteration is predicted to be tolerated by in silico analysis. Since supporting evidence is limited at this time, the clinical significance of this alteration remains unclear.